The following is an entry in ClinVar:

NM_000702.4(ATP1A2):c.250A>G (p.Thr84Ala)

Gene: ATP1A2 (ATPase Na+/K+ transporting subunit alpha 2; plus strand). Cytogenetic location: 1q23.2.
Variant type: single nucleotide variant.
Coding change: c.250A>G on transcript NM_000702.4 (MANE Select); coding-DNA position 250, A replaced by G.
Protein change: p.Thr84Ala; replaces threonine 84 with alanine.
Molecular consequence: missense variant.
Genome position (GRCh38, 1-based): chr1:160,123,285, A>G. VCF-style: chr1-160123285-A-G. GRCh37 (hg19) VCF-style: chr1-160093075-A-G.
Other names: short protein forms T84A.
Identifiers: ClinVar variation 937508 (VCV000937508.9), dbSNP rs1651478160, ClinGen allele CA343230775.

ClinVar aggregate classification (germline): Uncertain significance (1 of 4 stars; one submission).

Conditions:
Familial hemiplegic migraine. Identifiers: MedGen C0338484, MONDO:0000700.

Submission:

Labcorp Genetics (formerly Invitae), Labcorp
Classification: Uncertain significance for Familial hemiplegic migraine. Last evaluated: 2019-10-12. Review status: criteria provided, single submitter. Criteria: Invitae Variant Classification Sherloc (09022015). Collection method: clinical testing. Allele origin: germline.
Comment: Algorithms developed to predict the effect of missense changes on protein structure and function (SIFT, PolyPhen-2, Align-GVGD) all suggest that this variant is likely to be disruptive, but these predictions have not been confirmed by published functional studies and their clinical significance is uncertain. Algorithms developed to predict the effect of sequence changes on RNA splicing suggest that this variant may create or strengthen a splice site, but this prediction has not been confirmed by published transcriptional studies. In summary, the available evidence is currently insufficient to determine the role of this variant in disease. Therefore, it has been classified as a Variant of Uncertain Significance. This variant has not been reported in the literature in individuals with ATP1A2-related conditions. This sequence change replaces threonine with alanine at codon 84 of the ATP1A2 protein (p.Thr84Ala). The threonine residue is highly conserved and there is a small physicochemical difference between threonine and alanine. This variant is not present in population databases (ExAC no frequency).